The following is an entry in ClinVar:

NC_000011.9:g.(?_747482)_(747598_?)dup

Gene: TALDO1 (transaldolase 1; plus strand). Cytogenetic location: 11p15.5.
Variant type: Duplication.
Identifiers: ClinVar variation 3244769 (VCV003244769.1).

ClinVar aggregate classification (germline): Uncertain significance (1 of 4 stars; one submission).

Submission:

Labcorp Genetics (formerly Invitae), Labcorp
Classification: Uncertain significance. Last evaluated: 2023-06-01. Review status: criteria provided, single submitter. Criteria: Invitae Variant Classification Sherloc (09022015). Collection method: clinical testing. Allele origin: unknown.
Comment: This variant results in a copy number gain of the genomic region encompassing exon(s) 1 of the TALDO1 gene. This region includes the initiator codon of the gene. This copy number gain extends beyond the assayed region for this gene and therefore may encompass additional genes. As the precise location of this event is unknown, it may be in tandem or it may be located elsewhere in the genome. In summary, the available evidence is currently insufficient to determine the role of this variant in disease. Therefore, it has been classified as a Variant of Uncertain Significance. This variant has not been reported in the literature in individuals affected with TALDO1-related conditions.